The following is an entry in ClinVar:

NM_000179.3(MSH6):c.3600_3601del (p.Leu1201fs)

Gene: MSH6 (mutS homolog 6; plus strand). Cytogenetic location: 2p16.3.
Variant type: Deletion.
Coding change: c.3600_3601del on transcript NM_000179.3 (MANE Select); coding-DNA positions 3600 to 3601, 2 bases deleted (AC; older notation c.3600_3601delAC).
Protein change: p.Leu1201fs; shifts the reading frame from leucine 1201.
Molecular consequence: frameshift variant.
Genome position (GRCh38, 1-based): chr2:47,805,661-47,805,662, AC deleted. VCF-style (leftmost placement, unchanged base first): chr2-47805660-TAC-T. GRCh37 (hg19) VCF-style: chr2-48032799-TAC-T.
Other names: c.3303_3304delAC, p.Leu1102Hisfs (NM_001406805.1, NM_001406801.1, NM_001406797.1 and 10 more transcripts); c.3696_3697delAC, p.Leu1233Hisfs (NM_001406802.1, NM_001406795.1); c.3600_3601delAC, p.Leu1201Hisfs (NM_001406800.1, NM_001406796.1, NM_001406808.1 and 1 more transcripts); c.3522_3523delAC, p.Leu1175Hisfs (NM_001406804.1); c.2736_2737delAC, p.Leu913Hisfs (NM_001406803.1); c.3075_3076delAC, p.Leu1026Hisfs (NM_001406799.1, NM_001406806.1, NM_001406807.1); c.3210_3211del, p.Leu1071fs (NM_001281492.2); c.2694_2695del, p.Leu899fs (NM_001281493.2, NM_001281494.2); and 8 more; short protein forms L899fs, L1071fs, L1201fs.
Identifiers: ClinVar variation 1733092 (VCV001733092.6), dbSNP rs2530823638, ClinGen allele CA2580067246.

ClinVar aggregate classification (germline): Pathogenic. Review status: criteria provided, multiple submitters, no conflicts (2 of 4 stars). 3 submissions from 3 submitters: Pathogenic (3). Last evaluated 2025-07-07.

Conditions:
Hereditary nonpolyposis colorectal neoplasms. Identifiers: MedGen C0009405, MeSH D003123.
Hereditary cancer-predisposing syndrome. Also called: Neoplastic Syndromes, Hereditary; Tumor predisposition; Hereditary Cancer Syndrome; Hereditary neoplastic syndrome. Identifiers: Orphanet 140162, MedGen C0027672, MeSH D009386, MONDO:0015356.
Lynch syndrome 5 (LYNCH5). Also called: Hereditary non-polyposis colorectal cancer, type 5; Colorectal cancer, hereditary nonpolyposis, type 5. Identifiers: Orphanet 144, MedGen C1833477, MONDO:0013710, OMIM 614350. Disease mechanism: loss of function.

Submissions (3):

Labcorp Genetics (formerly Invitae), Labcorp
Classification: Pathogenic for Hereditary nonpolyposis colorectal neoplasms. Last evaluated: 2025-07-07. Review status: criteria provided, single submitter. Criteria: Invitae Variant Classification Sherloc (09022015). Collection method: clinical testing. Allele origin: germline.
Comment: This sequence change creates a premature translational stop signal (p.Leu1201Hisfs*13) in the MSH6 gene. It is expected to result in an absent or disrupted protein product. Loss-of-function variants in MSH6 are known to be pathogenic (PMID: 18269114, 24362816). This variant is not present in population databases (gnomAD no frequency). This variant has not been reported in the literature in individuals affected with MSH6-related conditions. ClinVar contains an entry for this variant (Variation ID: 1733092). For these reasons, this variant has been classified as Pathogenic.

Myriad Genetics, Inc.
Classification: Pathogenic for Lynch syndrome 5. Last evaluated: 2023-08-24. Review status: criteria provided, single submitter. Criteria: Myriad Autosomal Dominant, Autosomal Recessive and X-Linked Classification Criteria (2023). Collection method: clinical testing. Allele origin: unknown.
Comment: This variant is considered pathogenic. This variant creates a frameshift predicted to result in premature protein truncation.

Ambry Genetics
Classification: Pathogenic for Hereditary cancer-predisposing syndrome. Last evaluated: 2022-08-12. Review status: criteria provided, single submitter. Criteria: Ambry Variant Classification Scheme 2023. Collection method: clinical testing. Allele origin: germline.
Comment: The c.3600_3601delAC pathogenic mutation, located in coding exon 7 of the MSH6 gene, results from a deletion of two nucleotides at nucleotide positions 3600 to 3601, causing a translational frameshift with a predicted alternate stop codon (p.L1201Hfs*13). This variant is considered to be rare based on population cohorts in the Genome Aggregation Database (gnomAD). This alteration is expected to result in loss of function by premature protein truncation or nonsense-mediated mRNA decay. As such, this alteration is interpreted as a disease-causing mutation.

Literature cited by the submitters: PubMed 18269114 (cited by Labcorp Genetics (formerly Invitae), Labcorp); PubMed 24362816 (cited by Labcorp Genetics (formerly Invitae), Labcorp).